The following is an entry in ClinVar:

ClinVar aggregate classification (germline): Uncertain significance (1 of 4 stars; one submission).

Allele frequency attached by ClinVar (database versions not stated): gnomAD exomes below 0.00001.
gnomAD v4.1: 2 of 1,613,374 alleles (0.00012%); highest among the groups gnomAD compares: Non-Finnish European, 0.00017%; no homozygotes.

Submission:

Labcorp Genetics (formerly Invitae), Labcorp
Classification: Uncertain significance. Last evaluated: 2024-10-15. Review status: criteria provided, single submitter. Criteria: Invitae Variant Classification Sherloc (09022015). Collection method: clinical testing. Allele origin: germline.
Comment: This sequence change replaces phenylalanine, which is neutral and non-polar, with leucine, which is neutral and non-polar, at codon 1415 of the USH2A protein (p.Phe1415Leu). This variant is not present in population databases (gnomAD no frequency). This variant has not been reported in the literature in individuals affected with USH2A-related conditions. ClinVar contains an entry for this variant (Variation ID: 936232). Invitae Evidence Modeling of protein sequence and biophysical properties (such as structural, functional, and spatial information, amino acid conservation, physicochemical variation, residue mobility, and thermodynamic stability) indicates that this missense variant is not expected to disrupt USH2A protein function with a negative predictive value of 95%. In summary, the available evidence is currently insufficient to determine the role of this variant in disease. Therefore, it has been classified as a Variant of Uncertain Significance.

NM_206933.4(USH2A):c.4243T>C (p.Phe1415Leu)

Genes: USH2A (usherin; minus strand), USH2A-AS1 (USH2A antisense RNA 1; plus strand). Cytogenetic location: 1q41.
Variant type: single nucleotide variant.
Coding change: c.4243T>C on transcript NM_206933.4 (MANE Select); coding-DNA position 4243, T replaced by C.
Protein change: p.Phe1415Leu; replaces phenylalanine 1415 with leucine.
Molecular consequence: missense variant.
Genome position (GRCh38, 1-based): chr1:216,196,561, A>G on the plus strand (T>C on the coding strand, the complement: USH2A is on the minus strand). VCF-style: chr1-216196561-A-G. GRCh37 (hg19) VCF-style: chr1-216369903-A-G.
Other names: c.4243T>C, p.Phe1415Leu (NM_007123.6); short protein forms F1415L.
Identifiers: ClinVar variation 936232 (VCV000936232.9), dbSNP rs2034848341, ClinGen allele CA344866098.